The following is an entry in ClinVar:

ClinVar aggregate classification (germline): Benign/Likely benign. Review status: criteria provided, multiple submitters, no conflicts (2 of 4 stars). 3 submissions from 3 submitters: Benign (1); Likely benign (1). 1 of the submissions does not count toward it. Last evaluated 2025-12-01.

Conditions:
SPTBN1-related disorder. Also called: SPTBN1-related condition.

Allele frequency attached by ClinVar (database versions not stated): 1000 Genomes Project 30x 0.00016; 1000 Genomes Project 0.00020; TOPMed 0.00059; gnomAD 0.00072 and 0.00074; gnomAD exomes 0.00100 and 0.00114; ESP Exome Variant Server 0.00108; ExAC 0.00115.
gnomAD v4.1: 1,755 of 1,614,126 alleles (0.11%); highest among the groups gnomAD compares: Non-Finnish European, 0.13%; 1 homozygote.

Submissions (3):

CeGaT Center for Human Genetics Tuebingen
Classification: Likely benign. Last evaluated: 2025-12-01. Review status: criteria provided, single submitter. Criteria: CeGaT Center For Human Genetics Tuebingen Variant Classification Criteria Version 2. Collection method: clinical testing. Allele origin: germline. Affected: yes. Observed: 2 variant alleles.
Comment: SPTBN1: BP4, BS1

Breakthrough Genomics
Classification: Benign. Review status: criteria provided, single submitter. Criteria: ACMG Guidelines, 2015. Collection method: not provided. Allele origin: germline. Inheritance: Autosomal dominant inheritance. Affected: yes.

PreventionGenetics, part of Exact Sciences
Classification: Likely benign for SPTBN1-related condition. Last evaluated: 2022-12-06. Review status: no assertion criteria provided. Collection method: clinical testing. Allele origin: germline. Not counted in ClinVar's aggregate classification.
Comment: This variant is classified as likely benign based on ACMG/AMP sequence variant interpretation guidelines (Richards et al. 2015 PMID: 25741868, with internal and published modifications).

NM_003128.3(SPTBN1):c.6319A>G (p.Thr2107Ala)

Gene: SPTBN1 (spectrin beta, non-erythrocytic 1; plus strand). Cytogenetic location: 2p16.2.
Variant type: single nucleotide variant.
Coding change: c.6319A>G on transcript NM_003128.3 (MANE Select); coding-DNA position 6319, A replaced by G.
Protein change: p.Thr2107Ala; replaces threonine 2107 with alanine.
Molecular consequence: missense variant.
Genome position (GRCh38, 1-based): chr2:54,659,229, A>G. VCF-style: chr2-54659229-A-G. GRCh37 (hg19) VCF-style: chr2-54886366-A-G.
Other names: c.6280A>G, p.Thr2094Ala (NM_178313.3); c.6319A>G (NM_003128.2); short protein forms T2094A, T2107A.
Identifiers: ClinVar variation 1675782 (VCV001675782.35), dbSNP rs147989241, ClinGen allele CA1661627.